The following is an entry in ClinVar:

NM_004928.3(CFAP410):c.642+210C>T

Gene: CFAP410 (cilia and flagella associated protein 410; minus strand). Cytogenetic location: 21q22.3.
Variant type: single nucleotide variant.
Coding change: c.642+210C>T on transcript NM_004928.3 (MANE Select); 210 bases into the intron after coding-DNA position 642, C replaced by T.
Molecular consequence: intron variant. On other transcripts: synonymous variant (1).
Genome position (GRCh38, 1-based): chr21:44,330,613, G>A on the plus strand (C>T on the coding strand, the complement: CFAP410 is on the minus strand). VCF-style: chr21-44330613-G-A. GRCh37 (hg19) VCF-style: chr21-45750496-G-A.
Other names: c.849C>T, p.Ala283= (NM_001271441.2); c.639+210C>T (NM_001271440.2); c.516+210C>T (NM_001271442.1).
Identifiers: ClinVar variation 3040739 (VCV003040739.2), dbSNP rs373929199, ClinGen allele CA321782298.
Genomic context (GRCh38, chr21:44,330,613, plus strand): 5'-GCAGGGCCCGGGCCCACATTCCACAGACCAGGACAGCAGGAGAGGCTGAGGGGCCAGGAC[G>A]GCTCCGTGCGGGGCACGTGTTACACGTGTGTGCGCATTCACAGACCCGCACACGCAGCTC-3'

ClinVar aggregate classification (germline): Likely benign (0 of 4 stars; one submission).

Conditions:
CFAP410-related disorder. Also called: CFAP410-related condition.

Allele frequency attached by ClinVar (database versions not stated): gnomAD 0.00001; gnomAD exomes 0.00001; TOPMed 0.00002.
gnomAD v4.1: 19 of 1,549,854 alleles (0.0012%); highest among the groups gnomAD compares: East Asian, 0.012%; no homozygotes.

Submission:

PreventionGenetics, part of Exact Sciences
Classification: Likely benign for CFAP410-related condition. Last evaluated: 2023-05-11. Review status: no assertion criteria provided. Collection method: clinical testing. Allele origin: germline.
Comment: This variant is classified as likely benign based on ACMG/AMP sequence variant interpretation guidelines (Richards et al. 2015 PMID: 25741868, with internal and published modifications).